The following is an entry in ClinVar:

ClinVar aggregate classification (germline): Uncertain significance (1 of 4 stars; one submission).

Conditions:
Immunodeficiency, common variable, 10. Also called: IMMUNODEFICIENCY, COMMON VARIABLE, WITH CENTRAL ADRENAL INSUFFICIENCY; DEFICIT IN ANTERIOR PITUITARY FUNCTION AND VARIABLE IMMUNODEFICIENCY. Identifiers: MedGen C3809991, MONDO:0014260, OMIM 615577.

Submission:

Labcorp Genetics (formerly Invitae), Labcorp
Classification: Uncertain significance for Immunodeficiency, common variable, 10. Last evaluated: 2024-05-23. Review status: criteria provided, single submitter. Criteria: Invitae Variant Classification Sherloc (09022015). Collection method: clinical testing. Allele origin: germline.
Comment: This sequence change replaces valine, which is neutral and non-polar, with methionine, which is neutral and non-polar, at codon 124 of the NFKB2 protein (p.Val124Met). This variant is not present in population databases (gnomAD no frequency). This variant has not been reported in the literature in individuals affected with NFKB2-related conditions. An algorithm developed to predict the effect of missense changes on protein structure and function (PolyPhen-2) suggests that this variant is likely to be disruptive. In summary, the available evidence is currently insufficient to determine the role of this variant in disease. Therefore, it has been classified as a Variant of Uncertain Significance.

NM_001322934.2(NFKB2):c.370G>A (p.Val124Met)

Gene: NFKB2 (nuclear factor kappa B subunit 2; plus strand). Cytogenetic location: 10q24.32.
Variant type: single nucleotide variant.
Coding change: c.370G>A on transcript NM_001322934.2 (MANE Select); coding-DNA position 370, G replaced by A.
Protein change: p.Val124Met; replaces valine 124 with methionine.
Molecular consequence: missense variant.
Genome position (GRCh38, 1-based): chr10:102,397,030, G>A. VCF-style: chr10-102397030-G-A. GRCh37 (hg19) VCF-style: chr10-104156787-G-A.
Other names: c.370G>A, p.Val124Met (NM_001288724.1, NM_001322935.1, NM_002502.6 and 2 more transcripts); short protein forms V124M.
Identifiers: ClinVar variation 3654427 (VCV003654427.2).
Genomic context (GRCh38, chr10:102,397,030, plus strand): 5'-GCTCATGCCCACAGTCTGGTGGGCAAGCAATGCTCGGAGCTGGGGATCTGCGCCGTTTCT[G>A]TGGGGCCCAAGGACATGACTGCCCAGTAGGTGCCCTCTACGCCTGGCCCCCACTGGTATG-3'
Protein context (NP_001309863.1, residues 114-134): CSELGICAVS[Val124Met]GPKDMTAQFN